The following is an entry in ClinVar:

ClinVar aggregate classification (germline): Uncertain significance (1 of 4 stars; one submission).

Conditions:
EP300-related disorder. Also called: EP300-related condition; EP300-related disorders.

gnomAD v4.1: 46 of 1,614,164 alleles (0.0028%); highest among the groups gnomAD compares: Non-Finnish European, 0.0038%; no homozygotes.

Submission:

PreventionGenetics, part of Exact Sciences
Classification: Uncertain significance for EP300-related condition. Last evaluated: 2026-05-14. Review status: criteria provided, single submitter. Criteria: ACMG Guidelines, 2015. Collection method: clinical testing. Allele origin: germline.
Comment: The EP300 c.827C>G variant is predicted to result in the amino acid substitution p.Thr276Arg. To our knowledge, this variant has not been reported in the literature. This variant is reported in 0.0018% of alleles in individuals of European (Non-Finnish) descent in gnomAD. At this time, the clinical significance of this variant is uncertain due to the absence of conclusive functional and genetic evidence.

NM_001429.4(EP300):c.827C>G (p.Thr276Arg)

Gene: EP300 (EP300 lysine acetyltransferase; plus strand). Cytogenetic location: 22q13.2.
Variant type: single nucleotide variant.
Coding change: c.827C>G on transcript NM_001429.4 (MANE Select); coding-DNA position 827, C replaced by G.
Protein change: p.Thr276Arg; replaces threonine 276 with arginine.
Molecular consequence: missense variant.
Genome position (GRCh38, 1-based): chr22:41,125,961, C>G. VCF-style: chr22-41125961-C-G. GRCh37 (hg19) VCF-style: chr22-41521965-C-G.
Other names: c.827C>G, p.Thr276Arg (NM_001362843.2); short protein forms T276R.
Identifiers: ClinVar variation 4989651 (VCV004989651.1).